The following is an entry in ClinVar:

NM_000051.4(ATM):c.73-16T>C

Gene: ATM (ATM serine/threonine kinase; plus strand). Cytogenetic location: 11q22.3.
Variant type: single nucleotide variant.
Coding change: c.73-16T>C on transcript NM_000051.4 (MANE Select); 16 bases into the intron before coding-DNA position 73, T replaced by C.
Molecular consequence: intron variant.
Genome position (GRCh38, 1-based): chr11:108,227,760, T>C. VCF-style: chr11-108227760-T-C. GRCh37 (hg19) VCF-style: chr11-108098487-T-C.
Other names: c.73-16T>C (NM_001351834.2, NM_001351835.2, NM_001351836.2).
Identifiers: ClinVar variation 3254430 (VCV003254430.1), dbSNP rs2496893097.

ClinVar aggregate classification (germline): Likely benign (1 of 4 stars; one submission).

Conditions:
Familial cancer of breast. Also called: BREAST CANCER, FAMILIAL; Hereditary breast cancer; hereditary breast carcinoma. Identifiers: Orphanet 227535, MedGen C0346153, MONDO:0016419, OMIM 114480. Disease mechanism: loss of function.

Submission:

Myriad Genetics, Inc.
Classification: Likely benign for Familial cancer of breast. Last evaluated: 2024-04-17. Review status: criteria provided, single submitter. Criteria: Myriad Autosomal Dominant, Autosomal Recessive and X-Linked Classification Criteria (2023). Collection method: clinical testing. Allele origin: unknown.
Comment: This variant is considered likely benign. This variant is intronic and is not expected to impact mRNA splicing.